The following is an entry in ClinVar:

ClinVar aggregate classification (germline): Uncertain significance (1 of 4 stars; one submission).

gnomAD v4.1: 5 of 1,614,158 alleles (0.00031%); highest among the groups gnomAD compares: Non-Finnish European, 0.00034%; no homozygotes.

Submission:

Labcorp Genetics (formerly Invitae), Labcorp
Classification: Uncertain significance. Last evaluated: 2025-11-27. Review status: criteria provided, single submitter. Criteria: Invitae Variant Classification Sherloc (09022015). Collection method: clinical testing. Allele origin: germline.
Comment: This sequence change replaces isoleucine, which is neutral and non-polar, with threonine, which is neutral and polar, at codon 1564 of the MTOR protein (p.Ile1564Thr). This variant is present in population databases (no rsID available, gnomAD 0.002%). This variant has not been reported in the literature in individuals affected with MTOR-related conditions. ClinVar contains an entry for this variant (Variation ID: 3609996). Invitae Evidence Modeling of protein sequence and biophysical properties (such as structural, functional, and spatial information, amino acid conservation, physicochemical variation, residue mobility, and thermodynamic stability) indicates that this missense variant is not expected to disrupt MTOR protein function with a negative predictive value of 95%. In summary, the available evidence is currently insufficient to determine the role of this variant in disease. Therefore, it has been classified as a Variant of Uncertain Significance.

NM_004958.4(MTOR):c.4691T>C (p.Ile1564Thr)

Genes: MTOR (mechanistic target of rapamycin kinase; minus strand), MTOR-AS1 (MTOR antisense RNA 1; plus strand). Cytogenetic location: 1p36.22.
Variant type: single nucleotide variant.
Coding change: c.4691T>C on transcript NM_004958.4 (MANE Select); coding-DNA position 4691, T replaced by C.
Protein change: p.Ile1564Thr; replaces isoleucine 1564 with threonine.
Molecular consequence: missense variant.
Genome position (GRCh38, 1-based): chr1:11,145,041, A>G on the plus strand (T>C on the coding strand, the complement: MTOR is on the minus strand). VCF-style: chr1-11145041-A-G. GRCh37 (hg19) VCF-style: chr1-11205098-A-G.
Other names: c.4691T>C, p.Ile1564Thr (NM_001386500.1); c.3443T>C, p.Ile1148Thr (NM_001386501.1); short protein forms I1148T, I1564T.
Identifiers: ClinVar variation 3609996 (VCV003609996.2).
Genomic context (GRCh38, chr1:11,145,041, plus strand): 5'-CTGTAACTCTCTCCTGCCATCGCAGTTAATTCAGCATCCAGCAGGTCCCTGGCCTTGTCA[A>G]TGCACTAGAAGAGAAACAACCCTTGGGACTGAGCTCTGGACTTGGGAGCTTAGGGTTATT-3'
Protein context (NP_004949.1, residues 1554-1574): QDLFSLAQQC[Ile1564Thr]DKARDLLDAE